The following is an entry in ClinVar:

NM_015046.7(SETX):c.3434G>A (p.Arg1145Gln)

Gene: SETX (senataxin; minus strand). Cytogenetic location: 9q34.13.
Variant type: single nucleotide variant.
Coding change: c.3434G>A on transcript NM_015046.7 (MANE Select); coding-DNA position 3434, G replaced by A.
Protein change: p.Arg1145Gln; replaces arginine 1145 with glutamine.
Molecular consequence: missense variant.
Genome position (GRCh38, 1-based): chr9:132,328,164, C>T on the plus strand (G>A on the coding strand, the complement: SETX is on the minus strand). VCF-style: chr9-132328164-C-T. GRCh37 (hg19) VCF-style: chr9-135203551-C-T.
Other names: p.Arg1145Gln; c.3434G>A, p.Arg1145Gln (NM_001351527.2, NM_001351528.2); short protein forms R1145Q.
Identifiers: ClinVar variation 4541488 (VCV004541488.1).

ClinVar aggregate classification (germline): Uncertain significance (1 of 4 stars; one submission).

gnomAD v4.1: 15 of 1,614,012 alleles (0.00093%); highest among the groups gnomAD compares: South Asian, 0.0022%; no homozygotes.

Submission:

Mayo Clinic Laboratories, Mayo Clinic
Classification: Uncertain significance. Last evaluated: 2025-03-14. Review status: criteria provided, single submitter. Criteria: ACMG Guidelines, 2015. Collection method: clinical testing. Allele origin: germline. Observed: 1 variant allele.
Comment: BP4